The following is an entry in ClinVar:

ClinVar aggregate classification (germline): Uncertain significance (1 of 4 stars; one submission).

Conditions:
HBA2-related disorder. Also called: HBA2-related condition.

Submission:

PreventionGenetics, part of Exact Sciences
Classification: Uncertain significance for HBA2-related condition. Last evaluated: 2023-03-17. Review status: criteria provided, single submitter. Criteria: ACMG Guidelines, 2015. Collection method: clinical testing. Allele origin: germline.
Comment: The HBA2 c.-4C>T variant is located in the 5' untranslated region. To our knowledge, this variant has not been reported in the literature. This variant is reported in 0.013% of alleles in individuals of East Asian descent in gnomAD. At this time, the clinical significance of this variant is uncertain due to the absence of conclusive functional and genetic evidence.

NM_000517.6(HBA2):c.-4C>T

Genes: HBA2 (hemoglobin subunit alpha 2; plus strand), LOC106804612 (hemoglobin subunit alpha 2 recombination region; plus strand). Cytogenetic location: 16p13.3.
Variant type: single nucleotide variant.
Coding change: c.-4C>T on transcript NM_000517.6 (MANE Select); 4 bases upstream of the start codon, C replaced by T.
Molecular consequence: 5 prime UTR variant.
Genome position (GRCh38, 1-based): chr16:172,909, C>T. VCF-style: chr16-172909-C-T. GRCh37 (hg19) VCF-style: chr16-222908-C-T.
Identifiers: ClinVar variation 2633792 (VCV002633792.1), dbSNP rs1171322866, ClinGen allele CA620304237.
Genomic context (GRCh38, chr16:172,909, plus strand): 5'-TAAACCCTGGCGCGCTCGCGGGCCGGCACTCTTCTGGTCCCCACAGACTCAGAGAGAACC[C>T]ACCATGGTGCTGTCTCCTGCCGACAAGACCAACGTCAAGGCCGCCTGGGGTAAGGTCGGC-3'